The following is an entry in ClinVar:

ClinVar aggregate classification (germline): Benign. Review status: no assertion criteria provided (0 of 4 stars). 2 submissions from 1 submitter: Benign (1). 1 of the submissions does not count toward it. Last evaluated 2010-03-30.

Submissions (2):

ISCA site 4
Classification: Benign. Last evaluated: 2010-03-30. Review status: no assertion criteria provided. Collection method: clinical testing. Allele origin: unknown. Affected: yes. Observed: 1 variant allele.

ISCA site 4
Classification: Benign. Last evaluated: 2011-08-12. Review status: flagged submission. Criteria: Kaminsky et al. (Genet Med. 2011). Collection method: clinical testing. Allele origin: unknown. Affected: yes. Observed: 2 variant alleles. Not counted in ClinVar's aggregate classification.
Comment: Copy number variation identified through the course of routine clinical cytogenomic testing in postnatal populations. Clinical assertions have been curated as described in Kaminsky et al. 2011.
ClinVar note: Reason: This record appears to be redundant with a more recent record from the same submitter.
ClinVar note: Notes: SCV000077658 appears to be redundant with SCV000173209.

GRCh38/hg38 14q32.33(chr14:106112755-106318409)x1

Genes: IGH (immunoglobulin heavy locus; minus strand), IGHV1-18 (immunoglobulin heavy variable 1-18; minus strand), IGHV1-24 (immunoglobulin heavy variable 1-24; minus strand), IGHV2-26 (immunoglobulin heavy variable 2-26; minus strand), IGHV3-11 (immunoglobulin heavy variable 3-11; minus strand) and 9 more. Cytogenetic location: 14q32.33.
Variant type: copy number loss.
Change: copy number 1 (one copy instead of two) of chr14:106,112,755-106,318,409 (205.7 kb, GRCh38 coordinates, 1-based), cytogenetic band 14q32.33.
Other names: GRCh37/hg19 14q32.33(chr14:106538421-106774672)x1.
Identifiers: ClinVar variation 32779 (VCV000032779.3).